The following is an entry in ClinVar:

ClinVar aggregate classification (germline): Likely benign. Review status: criteria provided, multiple submitters, no conflicts (2 of 4 stars). 3 submissions from 3 submitters: Likely benign (3). Last evaluated 2025-02-16.

Allele frequency attached by ClinVar (database versions not stated): gnomAD 0.00009; TOPMed 0.00011; gnomAD exomes 0.00014; ExAC 0.00022; ESP Exome Variant Server 0.00046.
gnomAD v4.1: 233 of 1,613,846 alleles (0.014%); highest among the groups gnomAD compares: Non-Finnish European, 0.008%; no homozygotes.

Submissions (3):

Laboratory of Genetics, Children's Clinical University Hospital Latvia
Classification: Likely benign. Last evaluated: 2025-02-16. Review status: criteria provided, single submitter. Criteria: ACMG Guidelines, 2015. Collection method: clinical testing. Allele origin: germline. Affected: yes.

Women's Health and Genetics/Laboratory Corporation of America, LabCorp
Classification: Likely benign. Last evaluated: 2023-11-07. Review status: criteria provided, single submitter. Criteria: LabCorp Variant Classification Summary - May 2015. Collection method: clinical testing. Allele origin: germline.
Comment: Variant summary: TNC c.2860+3G>A alters a conserved nucleotide located close to a canonical splice site and therefore could affect mRNA splicing, leading to a significantly altered protein sequence. Consensus agreement among computation tools predict no significant impact on normal splicing. However, these predictions have yet to be confirmed by functional studies. The variant allele was found at a frequency of 0.00022 in 250832 control chromosomes. This frequency does not allow for any conclusion about variant significance. However, the variant is present in 56 heterozygous individuals in gnomAD, including multiple individuals of advanced age, making it unlikely to be associated with autosomal dominant hearing loss. To our knowledge, no occurrence of c.2860+3G>A in individuals affected with Deafness, Autosomal Dominant 56 and no experimental evidence demonstrating its impact on protein function have been reported. No submitters have cited clinical-significance assessments for this variant to ClinVar after 2014. Based on the evidence outlined above, the variant was classified as likely benign.

CeGaT Center for Human Genetics Tuebingen
Classification: Likely benign. Last evaluated: 2023-10-01. Review status: criteria provided, single submitter. Criteria: CeGaT Center For Human Genetics Tuebingen Variant Classification Criteria Version 2. Collection method: clinical testing. Allele origin: germline. Affected: yes. Observed: 1 variant allele.
Comment: TNC: BP4, BS1

NM_002160.4(TNC):c.2860+3G>A

Gene: TNC (tenascin C; minus strand). Cytogenetic location: 9q33.1.
Variant type: single nucleotide variant.
Coding change: c.2860+3G>A on transcript NM_002160.4 (MANE Select); 3 bases into the intron after coding-DNA position 2860, G replaced by A.
Molecular consequence: intron variant.
Genome position (GRCh38, 1-based): chr9:115,076,387, C>T on the plus strand (G>A on the coding strand, the complement: TNC is on the minus strand). VCF-style: chr9-115076387-C-T. GRCh37 (hg19) VCF-style: chr9-117838666-C-T.
Other names: c.2860+3G>A (NM_001410991.1).
Identifiers: ClinVar variation 2659458 (VCV002659458.26), dbSNP rs202205200, ClinGen allele CA5208402.
Genomic context (GRCh38, chr9:115,076,387, plus strand): 5'-TGCCCATCCTTTAAGGGCCCTCTAGGGCTGGCTGGCTCAGGCTTGCAGAGATGCAGAGCT[C>T]ACCTGTGAGTGTGGTTTTGGTTGTGGCTTGTTGGCTCTTTGGAACATCAACCTCAGCGTG-3'